The following is an entry in ClinVar:

NM_000784.4(CYP27A1):c.667G>A (p.Glu223Lys)

Gene: CYP27A1 (cytochrome P450 family 27 subfamily A member 1; plus strand). Cytogenetic location: 2q35.
Variant type: single nucleotide variant.
Coding change: c.667G>A on transcript NM_000784.4 (MANE Select); coding-DNA position 667, G replaced by A.
Protein change: p.Glu223Lys; replaces glutamic acid 223 with lysine.
Molecular consequence: missense variant.
Genome position (GRCh38, 1-based): chr2:218,812,572, G>A. VCF-style: chr2-218812572-G-A. GRCh37 (hg19) VCF-style: chr2-219677295-G-A.
Other names: short protein forms E223K.
Identifiers: ClinVar variation 1449665 (VCV001449665.6), dbSNP rs760323157, ClinGen allele CA2112689.

ClinVar aggregate classification (germline): Uncertain significance (1 of 4 stars; one submission).

Conditions:
Cholestanol storage disease (CTX). Also called: CEREBRAL CHOLESTERINOSIS; Cerebrotendinous Xanthomatosis; CTX: Cerebrotendinous xanthomatosis. Identifiers: Orphanet 909, MedGen C0238052, MONDO:0008948, OMIM 213700.

Allele frequency attached by ClinVar (database versions not stated): gnomAD 0.00001; gnomAD exomes 0.00001; ExAC 0.00002.
gnomAD v4.1: 11 of 1,614,040 alleles (0.00068%); highest among the groups gnomAD compares: African/African-American, 0.0013%; no homozygotes.

Submissions (2):

Labcorp Genetics (formerly Invitae), Labcorp
Classification: Uncertain significance for Cholestanol storage disease. Last evaluated: 2022-10-28. Review status: criteria provided, single submitter. Criteria: Invitae Variant Classification Sherloc (09022015). Collection method: clinical testing. Allele origin: germline.
Comment: This sequence change replaces glutamic acid, which is acidic and polar, with lysine, which is basic and polar, at codon 223 of the CYP27A1 protein (p.Glu223Lys). This variant is present in population databases (rs760323157, gnomAD 0.003%). This missense change has been observed in individual(s) with CYP27A1-related conditions (PMID: 28337550). ClinVar contains an entry for this variant (Variation ID: 1449665). Algorithms developed to predict the effect of missense changes on protein structure and function (SIFT, PolyPhen-2, Align-GVGD) all suggest that this variant is likely to be disruptive. Algorithms developed to predict the effect of sequence changes on RNA splicing suggest that this variant may create or strengthen a splice site. In summary, the available evidence is currently insufficient to determine the role of this variant in disease. Therefore, it has been classified as a Variant of Uncertain Significance.

Dr. Peter K. Rogan Lab, Western University
No classification provided (evidence only). Condition: Malignant tumor of esophagus. Review status: no classification provided. Collection method: in vitro. Allele origin: not applicable. Functional consequence: retained intron. Not counted in ClinVar's aggregate classification.

Literature cited by the submitters: PubMed 28337550 (cited by Labcorp Genetics (formerly Invitae), Labcorp).